The following is an entry in ClinVar:

NM_181882.3(PRX):c.1834G>A (p.Ala612Thr)

Gene: PRX (periaxin; minus strand). Cytogenetic location: 19q13.2.
Variant type: single nucleotide variant.
Coding change: c.1834G>A on transcript NM_181882.3 (MANE Select); coding-DNA position 1834, G replaced by A.
Protein change: p.Ala612Thr; replaces alanine 612 with threonine.
Molecular consequence: missense variant. On other transcripts: 3 prime UTR variant (1).
Genome position (GRCh38, 1-based): chr19:40,396,518, C>T on the plus strand (G>A on the coding strand, the complement: PRX is on the minus strand). VCF-style: chr19-40396518-C-T. GRCh37 (hg19) VCF-style: chr19-40902425-C-T.
Other names: c.*2039G>A (NM_020956.2); short protein forms A612T.
Identifiers: ClinVar variation 916917 (VCV000916917.8), dbSNP rs2079438994, ClinGen allele CA405897568.

ClinVar aggregate classification (germline): Uncertain significance. Review status: criteria provided, multiple submitters, no conflicts (2 of 4 stars). 2 submissions from 2 submitters: Uncertain significance (2). Last evaluated 2020-11-13.

Conditions:
Charcot-Marie-Tooth disease. Also called: Charcot-Marie-Tooth Hereditary Neuropathy; Charcot-Marie-Tooth Neuropathy. Identifiers: Orphanet 166, MedGen C0007959, MONDO:0015626.
Charcot-Marie-Tooth disease type 4. Also called: Charcot-Marie-Tooth, Type 4; Charcot-Marie-Tooth disease, type IV. Identifiers: Orphanet 64749, MedGen C4082197, MONDO:0018995.

Allele frequency attached by ClinVar (database versions not stated): gnomAD exomes below 0.00001; gnomAD 0.00001.

Submissions (2):

Labcorp Genetics (formerly Invitae), Labcorp
Classification: Uncertain significance for Charcot-Marie-Tooth disease type 4. Last evaluated: 2020-11-13. Review status: criteria provided, single submitter. Criteria: Invitae Variant Classification Sherloc (09022015). Collection method: clinical testing. Allele origin: germline.
Comment: This variant is not present in population databases (ExAC no frequency). This variant has not been reported in the literature in individuals with PRX-related conditions. ClinVar contains an entry for this variant (Variation ID: 916917). Algorithms developed to predict the effect of missense changes on protein structure and function (SIFT, PolyPhen-2, Align-GVGD) all suggest that this variant is likely to be tolerated, but these predictions have not been confirmed by published functional studies and their clinical significance is uncertain. In summary, the available evidence is currently insufficient to determine the role of this variant in disease. Therefore, it has been classified as a Variant of Uncertain Significance. This sequence change replaces alanine with threonine at codon 612 of the PRX protein (p.Ala612Thr). The alanine residue is weakly conserved and there is a small physicochemical difference between alanine and threonine.

Molecular Genetics Laboratory, London Health Sciences Centre
Classification: Uncertain significance for Charcot-Marie-Tooth disease. Review status: criteria provided, single submitter. Criteria: ACMG Guidelines, 2015. Collection method: clinical testing. Allele origin: germline. Affected: yes.